The following is an entry in ClinVar:

NM_003070.5(SMARCA2):c.2628G>T (p.Arg876Ser)

Gene: SMARCA2 (SWI/SNF related BAF chromatin remodeling complex subunit ATPase 2; plus strand). Cytogenetic location: 9p24.3.
Variant type: single nucleotide variant.
Coding change: c.2628G>T on transcript NM_003070.5 (MANE Select); coding-DNA position 2628, G replaced by T.
Protein change: p.Arg876Ser; replaces arginine 876 with serine.
Molecular consequence: missense variant. On other transcripts: intron variant (1).
Genome position (GRCh38, 1-based): chr9:2,086,930, G>T. VCF-style: chr9-2086930-G-T. GRCh37 (hg19) VCF-style: chr9-2086930-G-T.
Other names: c.2628G>T, p.Arg876Ser (NM_001289396.2, NM_139045.4); c.2595+33G>T (NM_001289397.2); short protein forms R876S.
Identifiers: ClinVar variation 3370679 (VCV003370679.1).

ClinVar aggregate classification (germline): Uncertain significance (1 of 4 stars; one submission).

Submission:

GeneDx
Classification: Uncertain significance. Last evaluated: 2024-03-14. Review status: criteria provided, single submitter. Criteria: GeneDx Variant Classification Process June 2021. Collection method: clinical testing. Allele origin: germline. Affected: yes.
Comment: Not observed at significant frequency in large population cohorts (gnomAD); In silico analysis supports that this missense variant has a deleterious effect on protein structure/function; In silico analysis suggests this variant may impact gene splicing. In the absence of RNA/functional studies, the actual effect of this sequence change is unknown.; Has not been previously published as pathogenic or benign to our knowledge